The following is an entry in ClinVar:

ClinVar aggregate classification (germline): Likely benign. Review status: criteria provided, multiple submitters, no conflicts (2 of 4 stars). 3 submissions from 3 submitters: Likely benign (3). Last evaluated 2026-06-01.

Conditions:
Epidermolysis bullosa simplex 5B, with muscular dystrophy (EBS5B). Also called: EPIDERMOLYSIS BULLOSA SIMPLEX AND LIMB-GIRDLE MUSCULAR DYSTROPHY; Epidermolysis bullosa simplex with muscular dystrophy. Identifiers: Orphanet 257, MedGen C2931072, MONDO:0009181, OMIM 226670.
Epidermolysis bullosa simplex 5C, with pyloric atresia (EBS5C). Also called: PLEC1-Related Epidermolysis Bullosa with Pyloric Atresia; PLEC-Related Epidermolysis Bullosa with Pyloric Atresia; Epidermolysis bullosa simplex with pyloric atresia. Identifiers: Orphanet 158684, MedGen C2677349, MONDO:0012807, OMIM 612138.
Epidermolysis bullosa simplex with nail dystrophy (EBS5D). Identifiers: MedGen C4225309, MONDO:0014661, OMIM 616487.
Epidermolysis bullosa simplex, Ogna type (EBS5A). Also called: Pidermolysis bullosa simplex 5A, Ogna type; EPIDERMOLYSIS BULLOSA SIMPLEX 5A, OGNA TYPE. Identifiers: Orphanet 79401, MedGen C0432317, MONDO:0007555, OMIM 131950.
Autosomal recessive limb-girdle muscular dystrophy type 2Q (LGMDR17). Also called: MUSCULAR DYSTROPHY, LIMB-GIRDLE, AUTOSOMAL RECESSIVE 17. Identifiers: Orphanet 254361, MedGen C3150989, MONDO:0013390, OMIM 613723.

Allele frequency attached by ClinVar (database versions not stated): 1000 Genomes Project 30x 0.00016; 1000 Genomes Project 0.00020.
gnomAD v4.1: 102 of 1,612,724 alleles (0.0063%); highest among the groups gnomAD compares: Middle Eastern, 0.017%; no homozygotes.

Submissions (3):

CeGaT Center for Human Genetics Tuebingen
Classification: Likely benign. Last evaluated: 2026-06-01. Review status: criteria provided, single submitter. Criteria: CeGaT Center For Human Genetics Tuebingen Variant Classification Criteria Version 2. Collection method: clinical testing. Allele origin: germline. Affected: yes. Observed: 1 variant allele.
Comment: PLEC: BP4, BP7

Labcorp Genetics (formerly Invitae), Labcorp
Classification: Likely benign for Autosomal recessive limb-girdle muscular dystrophy type 2Q; Epidermolysis bullosa simplex, Ogna type; Epidermolysis bullosa simplex with nail dystrophy; Epidermolysis bullosa simplex 5C, with pyloric atresia; Epidermolysis bullosa simplex 5B, with muscular dystrophy. Last evaluated: 2026-02-01. Review status: criteria provided, single submitter. Criteria: Invitae Variant Classification Sherloc (09022015). Collection method: clinical testing. Allele origin: germline.

Blueprint Genetics
Classification: Likely benign. Last evaluated: 2024-09-04. Review status: criteria provided, single submitter. Criteria: ACMG Guidelines, 2015. Collection method: clinical testing. Allele origin: germline.

NM_201384.3(PLEC):c.7230G>A (p.Ala2410=)

Gene: PLEC (plectin; minus strand). Cytogenetic location: 8q24.3.
Variant type: single nucleotide variant.
Coding change: c.7230G>A on transcript NM_201384.3 (MANE Select); coding-DNA position 7230, G replaced by A.
Protein change: p.Ala2410=; no amino-acid change (alanine 2410 retained).
Molecular consequence: synonymous variant.
Genome position (GRCh38, 1-based): chr8:143,922,699, C>T on the plus strand (G>A on the coding strand, the complement: PLEC is on the minus strand). VCF-style: chr8-143922699-C-T. GRCh37 (hg19) VCF-style: chr8-144996867-C-T.
Other names: c.7311G>A, p.Ala2437= (NM_000445.5); c.7188G>A, p.Ala2396= (NM_201378.4); c.7164G>A, p.Ala2388= (NM_201379.3); c.7641G>A, p.Ala2547= (NM_201380.4); c.7134G>A, p.Ala2378= (NM_201381.3); c.7230G>A, p.Ala2410= (NM_201382.4); c.7242G>A, p.Ala2414= (NM_201383.3).
Identifiers: ClinVar variation 1146030 (VCV001146030.10), dbSNP rs201578404, ClinGen allele CA4925720.